The following is an entry in ClinVar:

ClinVar aggregate classification (germline): Uncertain significance. Review status: criteria provided, multiple submitters, no conflicts (2 of 4 stars). 2 submissions from 2 submitters: Uncertain significance (2). Last evaluated 2025-11-17.

Conditions:
Inborn genetic diseases. Identifiers: MedGen C0950123, MeSH D030342.

Allele frequency attached by ClinVar (database versions not stated): gnomAD 0.00001.
gnomAD v4.1: 7 of 1,103,618 alleles (0.00063%); highest among the groups gnomAD compares: South Asian, 0.0043%; no homozygotes.

Submissions (2):

Labcorp Genetics (formerly Invitae), Labcorp
Classification: Uncertain significance. Last evaluated: 2025-11-17. Review status: criteria provided, single submitter. Criteria: Invitae Variant Classification Sherloc (09022015). Collection method: clinical testing. Allele origin: germline.
Comment: This sequence change replaces arginine, which is basic and polar, with histidine, which is basic and polar, at codon 26 of the TAPT1 protein (p.Arg26His). The frequency data for this variant in the population databases is considered unreliable, as metrics indicate insufficient coverage at this position in the gnomAD database. This variant has not been reported in the literature in individuals affected with TAPT1-related conditions. ClinVar contains an entry for this variant (Variation ID: 1491592). Experimental studies and prediction algorithms are not available or were not evaluated, and the functional significance of this variant is currently unknown. In summary, the available evidence is currently insufficient to determine the role of this variant in disease. Therefore, it has been classified as a Variant of Uncertain Significance.

Ambry Genetics
Classification: Uncertain significance for Inborn genetic diseases. Last evaluated: 2025-08-08. Review status: criteria provided, single submitter. Criteria: Ambry Variant Classification Scheme 2023. Collection method: clinical testing. Allele origin: germline.

NM_153365.3(TAPT1):c.77G>A (p.Arg26His)

Genes: TAPT1 (transmembrane anterior posterior transformation 1; minus strand), LOC129992296 (ATAC-STARR-seq lymphoblastoid silent region 15304; plus strand). Cytogenetic location: 4p15.32.
Variant type: single nucleotide variant.
Coding change: c.77G>A on transcript NM_153365.3 (MANE Select); coding-DNA position 77, G replaced by A.
Protein change: p.Arg26His; replaces arginine 26 with histidine.
Molecular consequence: missense variant.
Genome position (GRCh38, 1-based): chr4:16,226,381, C>T on the plus strand (G>A on the coding strand, the complement: TAPT1 is on the minus strand). VCF-style: chr4-16226381-C-T. GRCh37 (hg19) VCF-style: chr4-16228004-C-T.
Other names: c.77G>A (NM_153365.2); short protein forms R26H.
Identifiers: ClinVar variation 1491592 (VCV001491592.5), dbSNP rs1751565265, ClinGen allele CA356490623.